The following is an entry in ClinVar:

ClinVar aggregate classification (germline): Conflicting classifications of pathogenicity. Review status: criteria provided, conflicting classifications (1 of 4 stars). 3 submissions from 3 submitters: Uncertain significance (2); Likely benign (1). Last evaluated 2024-02-25.

Conditions:
Spastic paraplegia. Identifiers: MedGen C0037772, HP:0001258.
Inborn genetic diseases. Identifiers: MedGen C0950123, MeSH D030342.
Charlevoix-Saguenay spastic ataxia (SACS). Also called: SPASTIC ATAXIA 6, AUTOSOMAL RECESSIVE; AUTOSOMAL RECESSIVE SPASTIC ATAXIA OF CHARLEVOIX-SAGUENAY; Spastic ataxia of Charlevoix-Saguenay. Identifiers: Orphanet 98, MedGen C1849140, MONDO:0010041, OMIM 270550.

Allele frequency attached by ClinVar (database versions not stated): gnomAD exomes 0.00001; ExAC 0.00002.
gnomAD v4.1: 3 of 1,613,914 alleles (0.00019%); highest among the groups gnomAD compares: East Asian, 0.0045%; no homozygotes.

Submissions (3):

Labcorp Genetics (formerly Invitae), Labcorp
Classification: Likely benign for Spastic paraplegia. Last evaluated: 2024-02-25. Review status: criteria provided, single submitter. Criteria: Invitae Variant Classification Sherloc (09022015). Collection method: clinical testing. Allele origin: germline.

Ambry Genetics
Classification: Uncertain significance for Inborn genetic diseases. Last evaluated: 2024-02-12. Review status: criteria provided, single submitter. Criteria: Ambry Variant Classification Scheme 2023. Collection method: clinical testing. Allele origin: germline.

Shenzhen Institute of Pediatrics, Shenzhen Children's Hospital
Classification: Uncertain significance for Charlevoix-Saguenay spastic ataxia. Last evaluated: 2017-06-24. Review status: criteria provided, single submitter. Criteria: ACMG Guidelines, 2015. Collection method: clinical testing. Allele origin: unknown. Inheritance: Autosomal recessive inheritance. Affected: yes. Observed: 1 variant allele, 1 compound heterozygote.

NM_014363.6(SACS):c.9723G>C (p.Glu3241Asp)

Gene: SACS (sacsin molecular chaperone; minus strand). Cytogenetic location: 13q12.12.
Variant type: single nucleotide variant.
Coding change: c.9723G>C on transcript NM_014363.6 (MANE Select); coding-DNA position 9723, G replaced by C.
Protein change: p.Glu3241Asp; replaces glutamic acid 3241 with aspartic acid.
Molecular consequence: missense variant.
Genome position (GRCh38, 1-based): chr13:23,334,153, C>G on the plus strand (G>C on the coding strand, the complement: SACS is on the minus strand). VCF-style: chr13-23334153-C-G. GRCh37 (hg19) VCF-style: chr13-23908292-C-G.
Other names: c.9282G>C, p.Glu3094Asp (NM_001278055.2); c.9723G>C (NM_014363.4); short protein forms E3241D, E3094D.
Identifiers: ClinVar variation 522554 (VCV000522554.6), dbSNP rs772595501, ClinGen allele CA6910575.